The following is an entry in ClinVar:

ClinVar aggregate classification (germline): Uncertain significance (1 of 4 stars; one submission).

Conditions:
Pitt-Hopkins-like syndrome 2 (PTHSL2). Identifiers: Orphanet 221150, Orphanet 600663, MedGen C3280479, MONDO:0013690, OMIM 614325.

Allele frequency attached by ClinVar (database versions not stated): TOPMed below 0.00001; ExAC 0.00001; gnomAD 0.00001 and 0.00002.
gnomAD v4.1: 21 of 1,613,874 alleles (0.0013%); highest among the groups gnomAD compares: South Asian, 0.0022%; no homozygotes.

Submission:

Labcorp Genetics (formerly Invitae), Labcorp
Classification: Uncertain significance for Pitt-Hopkins-like syndrome 2. Last evaluated: 2025-04-17. Review status: criteria provided, single submitter. Criteria: Invitae Variant Classification Sherloc (09022015). Collection method: clinical testing. Allele origin: germline.
Comment: This sequence change replaces isoleucine, which is neutral and non-polar, with valine, which is neutral and non-polar, at codon 544 of the NRXN1 protein (p.Ile544Val). This variant is present in population databases (rs760279230, gnomAD 0.006%). This variant has not been reported in the literature in individuals affected with NRXN1-related conditions. ClinVar contains an entry for this variant (Variation ID: 1422129). Invitae Evidence Modeling of protein sequence and biophysical properties (such as structural, functional, and spatial information, amino acid conservation, physicochemical variation, residue mobility, and thermodynamic stability) indicates that this missense variant is not expected to disrupt NRXN1 protein function with a negative predictive value of 80%. In summary, the available evidence is currently insufficient to determine the role of this variant in disease. Therefore, it has been classified as a Variant of Uncertain Significance.

NM_001330078.2(NRXN1):c.1510A>G (p.Ile504Val)

Gene: NRXN1 (neurexin 1; minus strand). Cytogenetic location: 2p16.3.
Variant type: single nucleotide variant.
Coding change: c.1510A>G on transcript NM_001330078.2 (MANE Select); coding-DNA position 1510, A replaced by G.
Protein change: p.Ile504Val; replaces isoleucine 504 with valine.
Molecular consequence: missense variant.
Genome position (GRCh38, 1-based): chr2:50,552,836, T>C on the plus strand (A>G on the coding strand, the complement: NRXN1 is on the minus strand). VCF-style: chr2-50552836-T-C. GRCh37 (hg19) VCF-style: chr2-50779974-T-C.
Other names: c.1630A>G, p.Ile544Val (NM_001135659.3); c.1486A>G, p.Ile496Val (NM_001330077.2, NM_001330082.2, NM_001330095.2); c.1471A>G, p.Ile491Val (NM_001330083.2, NM_001330084.2); c.1510A>G, p.Ile504Val (NM_001330085.2, NM_001330086.2, NM_004801.6); c.1426A>G, p.Ile476Val (NM_001330087.2, NM_001330096.2); c.1456A>G, p.Ile486Val (NM_001330088.2); c.1507A>G, p.Ile503Val (NM_001330093.2); c.1498A>G, p.Ile500Val (NM_001330094.2); short protein forms I476V, I496V, I491V, I503V, I486V, I500V, I504V, I544V.
Identifiers: ClinVar variation 1422129 (VCV001422129.6), dbSNP rs760279230, ClinGen allele CA1655028.